The following is an entry in ClinVar:

ClinVar aggregate classification (germline): Uncertain significance (1 of 4 stars; one submission).

Conditions:
Autosomal dominant nonsyndromic hearing loss 1. Also called: KONIGSMARK SYNDROME; DEAFNESS, AUTOSOMAL DOMINANT 1, WITH OR WITHOUT THROMBOCYTOPENIA. Identifiers: Orphanet 90635, MedGen C1852282, MONDO:0007424, OMIM 124900.
Progressive microcephaly-seizures-cortical blindness-developmental delay syndrome. Also called: Seizures, cortical blindness, and microcephaly syndrome. Identifiers: Orphanet 477814, MedGen C5567650, MONDO:0014714, OMIM 616632.

Allele frequency attached by ClinVar (database versions not stated): gnomAD exomes below 0.00001; ExAC 0.00001; gnomAD 0.00001; TOPMed 0.00001.
gnomAD v4.1: 7 of 1,613,554 alleles (0.00043%); highest among the groups gnomAD compares: East Asian, 0.0067%; no homozygotes.

Submission:

Labcorp Genetics (formerly Invitae), Labcorp
Classification: Uncertain significance for Progressive microcephaly-seizures-cortical blindness-developmental delay syndrome; Autosomal dominant nonsyndromic hearing loss 1. Last evaluated: 2025-05-18. Review status: criteria provided, single submitter. Criteria: Invitae Variant Classification Sherloc (09022015). Collection method: clinical testing. Allele origin: germline.
Comment: This sequence change replaces arginine, which is basic and polar, with tryptophan, which is neutral and slightly polar, at codon 455 of the DIAPH1 protein (p.Arg455Trp). This variant is present in population databases (rs756545968, gnomAD 0.0009%). This variant has not been reported in the literature in individuals affected with DIAPH1-related conditions. ClinVar contains an entry for this variant (Variation ID: 1447854). Experimental studies and prediction algorithms are not available or were not evaluated, and the functional significance of this variant is currently unknown. In summary, the available evidence is currently insufficient to determine the role of this variant in disease. Therefore, it has been classified as a Variant of Uncertain Significance.

NM_005219.5(DIAPH1):c.1363C>T (p.Arg455Trp)

Gene: DIAPH1 (diaphanous related formin 1; minus strand). Cytogenetic location: 5q31.3.
Variant type: single nucleotide variant.
Coding change: c.1363C>T on transcript NM_005219.5 (MANE Select); coding-DNA position 1363, C replaced by T.
Protein change: p.Arg455Trp; replaces arginine 455 with tryptophan.
Molecular consequence: missense variant.
Genome position (GRCh38, 1-based): chr5:141,576,789, G>A on the plus strand (C>T on the coding strand, the complement: DIAPH1 is on the minus strand). VCF-style: chr5-141576789-G-A. GRCh37 (hg19) VCF-style: chr5-140956356-G-A.
Other names: c.1336C>T, p.Arg446Trp (NM_001079812.3); c.1363C>T, p.Arg455Trp (NM_001314007.2); short protein forms R446W, R455W.
Identifiers: ClinVar variation 1447854 (VCV001447854.8), dbSNP rs756545968, ClinGen allele CA3479322.